The following is an entry in ClinVar:

ClinVar aggregate classification (germline): Pathogenic (1 of 4 stars; one submission).

Conditions:
Ethylmalonic encephalopathy (EE). Also called: Syndrome of encephalopathy, petechiae, and ethylmalonic aciduria; EPEMA syndrome; Encephalopathy, petechiae, and ethylmalonic aciduria. Identifiers: Orphanet 51188, MedGen C1865349, MONDO:0011229, OMIM 602473. Disease mechanism: loss of function.

Submission:

Labcorp Genetics (formerly Invitae), Labcorp
Classification: Pathogenic for Ethylmalonic encephalopathy. Last evaluated: 2024-01-21. Review status: criteria provided, single submitter. Criteria: Invitae Variant Classification Sherloc (09022015). Collection method: clinical testing. Allele origin: unknown.
Comment: This variant is a gross deletion of the genomic region encompassing exon(s) 4 of the ETHE1 gene. This deletion is out-of-frame, and is expected to create a premature termination codon and result in an absent or disrupted protein product. Loss-of-function variants in ETHE1 are known to be pathogenic (PMID: 14732903, 19136963). A similar copy number variant has been observed in individuals with ethylmalonic encephalopathy (PMID: 14732903, 16183799, 20528888). For these reasons, this variant has been classified as Pathogenic.

Literature cited by the submitters: PubMed 14732903; PubMed 19136963; PubMed 16183799; PubMed 20528888.

NC_000019.9:g.(?_44015569)_(44015738_?)del

Gene: ETHE1 (ETHE1 persulfide dioxygenase; minus strand). Cytogenetic location: 19q13.31.
Variant type: Deletion.
Identifiers: ClinVar variation 3248451 (VCV003248451.1).